The following is an entry in ClinVar:

ClinVar aggregate classification (germline): Uncertain significance (1 of 4 stars; one submission).

Conditions:
Familial hypobetalipoproteinemia 1. Also called: Hypobetalipoproteinemia, normotriglyceridemic; Acanthocytosis with hypobetalipoproteinemia; APOB-Related Familial Hypobetalipoproteinemia. Identifiers: MedGen C4551990, MONDO:0014252, OMIM 615558.
Hypercholesterolemia, autosomal dominant, type B (FHCL2). Also called: Familial hypercholesterolemia 2; Familial Hypercholesterolemia Type B; APOLIPOPROTEIN B-100, FAMILIAL DEFECTIVE; APOLIPOPROTEIN B-100, FAMILIAL LIGAND-DEFECTIVE; HYPERCHOLESTEROLEMIA, FAMILIAL, DUE TO LIGAND-DEFECTIVE APOLIPOPROTEIN B; APOB-Related Familial Hypercholesterolemia, Autosomal Dominant. Identifiers: MedGen C1704417, MONDO:0007751, OMIM 144010.

Submission:

Labcorp Genetics (formerly Invitae), Labcorp
Classification: Uncertain significance for Familial hypobetalipoproteinemia 1; Hypercholesterolemia, autosomal dominant, type B. Last evaluated: 2022-07-10. Review status: criteria provided, single submitter. Criteria: Invitae Variant Classification Sherloc (09022015). Collection method: clinical testing. Allele origin: germline.
Comment: In summary, the available evidence is currently insufficient to determine the role of this variant in disease. Therefore, it has been classified as a Variant of Uncertain Significance. Algorithms developed to predict the effect of missense changes on protein structure and function output the following: SIFT: "Tolerated"; PolyPhen-2: "Benign"; Align-GVGD: "Class C0". The serine amino acid residue is found in multiple mammalian species, which suggests that this missense change does not adversely affect protein function. This variant has not been reported in the literature in individuals affected with APOB-related conditions. This variant is not present in population databases (gnomAD no frequency). This sequence change replaces asparagine, which is neutral and polar, with serine, which is neutral and polar, at codon 198 of the APOB protein (p.Asn198Ser).

NM_000384.3(APOB):c.593A>G (p.Asn198Ser)

Gene: APOB (apolipoprotein B; minus strand). Cytogenetic location: 2p24.1.
Variant type: single nucleotide variant.
Coding change: c.593A>G on transcript NM_000384.3 (MANE Select); coding-DNA position 593, A replaced by G.
Protein change: p.Asn198Ser; replaces asparagine 198 with serine.
Molecular consequence: missense variant.
Genome position (GRCh38, 1-based): chr2:21,037,200, T>C on the plus strand (A>G on the coding strand, the complement: APOB is on the minus strand). VCF-style: chr2-21037200-T-C. GRCh37 (hg19) VCF-style: chr2-21260072-T-C.
Other names: short protein forms N198S.
Identifiers: ClinVar variation 2418696 (VCV002418696.7), dbSNP rs2465446420, ClinGen allele CA345962008.
Genomic context (GRCh38, chr2:21,037,200, plus strand): 5'-ATGGGCTTGAAGCGATCACACTGCCCCAGGTCTCTTTCAGTGGATATTTCTGTTGCCACA[T>C]TGCCCTTCCTCGTCTTGACGGTAAAGTGAGTGGAGCAGTTTCCATACACGGTATCCTATG-3'
Protein context (NP_000375.3, residues 188-208): THFTVKTRKG[Asn198Ser]VATEISTERD